The following is an entry in ClinVar:

ClinVar aggregate classification (germline): Uncertain significance. Review status: criteria provided, multiple submitters, no conflicts (2 of 4 stars). 2 submissions from 2 submitters: Uncertain significance (2). Last evaluated 2024-05-02.

Conditions:
Very long chain acyl-CoA dehydrogenase deficiency (ACADVLD). Also called: Very Long-Chain Acyl-Coenzyme A Dehydrogenase Deficiency; VLCAD Deficiency. Identifiers: Orphanet 26793, MedGen C3887523, MONDO:0008723, OMIM 201475.

Submissions (2):

Labcorp Genetics (formerly Invitae), Labcorp
Classification: Uncertain significance for Very long chain acyl-CoA dehydrogenase deficiency. Last evaluated: 2024-05-02. Review status: criteria provided, single submitter. Criteria: Invitae Variant Classification Sherloc (09022015). Collection method: clinical testing. Allele origin: germline.
Comment: This sequence change replaces glutamic acid, which is acidic and polar, with aspartic acid, which is acidic and polar, at codon 126 of the ACADVL protein (p.Glu126Asp). This variant is not present in population databases (gnomAD no frequency). This variant has not been reported in the literature in individuals affected with ACADVL-related conditions. ClinVar contains an entry for this variant (Variation ID: 932853). Advanced modeling of protein sequence and biophysical properties (such as structural, functional, and spatial information, amino acid conservation, physicochemical variation, residue mobility, and thermodynamic stability) performed at Invitae indicates that this missense variant is expected to disrupt ACADVL protein function with a positive predictive value of 95%. In summary, the available evidence is currently insufficient to determine the role of this variant in disease. Therefore, it has been classified as a Variant of Uncertain Significance.

Wong Mito Lab, Molecular and Human Genetics, Baylor College of Medicine
Classification: Uncertain significance for Very long chain acyl-CoA dehydrogenase deficiency. Last evaluated: 2019-11-01. Review status: criteria provided, single submitter. Criteria: ACMG Guidelines, 2015. Collection method: clinical testing. Allele origin: germline.
Comment: The NM_000018.3:c.378G>T (NP_000009.1:p.Glu126Asp) [GRCH38: NC_000017.11:g.7220959G>T] variant in ACADVL gene is interpretated to be Uncertain Significance based on ACMG guidelines (PMID: 25741868). This variant has been reported. This variant meets the following evidence codes reported in the ACMG guidelines: PM1, BP4

NM_000018.4(ACADVL):c.378G>T (p.Glu126Asp)

Gene: ACADVL (acyl-CoA dehydrogenase very long chain; plus strand). Cytogenetic location: 17p13.1.
Variant type: single nucleotide variant.
Coding change: c.378G>T on transcript NM_000018.4 (MANE Select); coding-DNA position 378, G replaced by T.
Protein change: p.Glu126Asp; replaces glutamic acid 126 with aspartic acid.
Molecular consequence: missense variant.
Genome position (GRCh38, 1-based): chr17:7,220,959, G>T. VCF-style: chr17-7220959-G-T. GRCh37 (hg19) VCF-style: chr17-7124278-G-T.
Other names: c.312G>T, p.Glu104Asp (NM_001033859.3); c.447G>T, p.Glu149Asp (NM_001270447.2); c.150G>T, p.Glu50Asp (NM_001270448.2); short protein forms E50D, E104D, E149D, E126D.
Identifiers: ClinVar variation 932853 (VCV000932853.4), dbSNP rs2071183181, ClinGen allele CA397722776.
Genomic context (GRCh38, chr17:7,220,959, plus strand): 5'-ATGTGGGATCCTGTGCCTTCCCCAGGAAGTGAACGATCCCGCCAAGAATGACGCTCTGGA[G>T]ATGGTGGAGGAGACCACTTGGCAGGGCCTCAAGGAGCTGGGGGCCTTTGGTCTGCAAGTG-3'
Protein context (NP_000009.1, residues 116-136): VNDPAKNDAL[Glu126Asp]MVEETTWQGL